The following is an entry in ClinVar:

NM_000094.4(COL7A1):c.7978G>C (p.Glu2660Gln)

Gene: COL7A1 (collagen type VII alpha 1 chain; minus strand). Cytogenetic location: 3p21.31.
Variant type: single nucleotide variant.
Coding change: c.7978G>C on transcript NM_000094.4 (MANE Select); coding-DNA position 7978, G replaced by C.
Protein change: p.Glu2660Gln; replaces glutamic acid 2660 with glutamine.
Molecular consequence: missense variant.
Genome position (GRCh38, 1-based): chr3:48,567,715, C>G on the plus strand (G>C on the coding strand, the complement: COL7A1 is on the minus strand). VCF-style: chr3-48567715-C-G. GRCh37 (hg19) VCF-style: chr3-48605148-C-G.
Other names: short protein forms E2660Q.
Identifiers: ClinVar variation 2203636 (VCV002203636.4), dbSNP rs2530825531, ClinGen allele CA352641229.

ClinVar aggregate classification (germline): Uncertain significance (1 of 4 stars; one submission).

Allele frequency attached by ClinVar (database versions not stated): gnomAD exomes below 0.00001.

Submission:

Labcorp Genetics (formerly Invitae), Labcorp
Classification: Uncertain significance. Last evaluated: 2023-02-28. Review status: criteria provided, single submitter. Criteria: Invitae Variant Classification Sherloc (09022015). Collection method: clinical testing. Allele origin: germline.
Comment: This sequence change replaces glutamic acid, which is acidic and polar, with glutamine, which is neutral and polar, at codon 2660 of the COL7A1 protein (p.Glu2660Gln). This variant is not present in population databases (gnomAD no frequency). This variant has not been reported in the literature in individuals affected with COL7A1-related conditions. ClinVar contains an entry for this variant (Variation ID: 2203636). In summary, the available evidence is currently insufficient to determine the role of this variant in disease. Therefore, it has been classified as a Variant of Uncertain Significance. Advanced modeling of protein sequence and biophysical properties (such as structural, functional, and spatial information, amino acid conservation, physicochemical variation, residue mobility, and thermodynamic stability) performed at Invitae indicates that this missense variant is not expected to disrupt COL7A1 protein function.